The following is an entry in ClinVar:

NM_177924.5(ASAH1):c.174dup (p.Tyr59fs)

Gene: ASAH1 (N-acylsphingosine amidohydrolase 1; minus strand). Cytogenetic location: 8p22.
Variant type: Duplication.
Coding change: c.174dup on transcript NM_177924.5 (MANE Select); coding-DNA position 174, one base duplicated (C; older notation c.174dupC).
Protein change: p.Tyr59fs; shifts the reading frame from tyrosine 59.
Molecular consequence: frameshift variant. On other transcripts: 5 prime UTR variant (1).
Genome position (GRCh38, 1-based): chr8:18,071,342, G duplicated on the plus strand (C on the coding strand, the reverse complement: ASAH1 is on the minus strand); the first of 3 consecutive G bases (chr8:18,071,342-18,071,344); duplicating any one gives the same sequence. VCF-style (leftmost placement, unchanged base first): chr8-18071341-A-AG. GRCh37 (hg19) VCF-style: chr8-17928850-A-AG.
Other names: c.243dup, p.Tyr82fs (NM_001127505.3); c.-22dup (NM_001363743.2); c.222dup, p.Tyr75fs (NM_004315.6); c.174_175insC (NM_177924.5); short protein forms Y75fs, Y82fs, Y59fs.
Identifiers: ClinVar variation 812486 (VCV000812486.3), dbSNP rs771718522, ClinGen allele CA4650994.
Genomic context (GRCh38, chr8:18,071,341, plus strand): 5'-TTTAAGCATCATAGCATACCACTGGTGCCTTGTCAAGCATCAATTCATGCCATCTTTTGT[A>AG]GGGTGGTAAGTCAAGATTTATGGTGTACCATGGAACTGCACCTCTGTACCTGTAATGAGA-3'

ClinVar aggregate classification (germline): Pathogenic. Review status: criteria provided, multiple submitters, no conflicts (2 of 4 stars). 2 submissions from 2 submitters: Pathogenic (2). Last evaluated 2024-07-03.

Conditions:
Farber lipogranulomatosis (FRBRL). Also called: AC DEFICIENCY; ACID CERAMIDASE DEFICIENCY; CERAMIDASE DEFICIENCY; N-LAURYLSPHINGOSINE DEACYLASE DEFICIENCY; Farber's lipogranulomatosis; Farber's disease. Identifiers: Orphanet 333, MedGen C0268255, MONDO:0009218, OMIM 228000.

Submissions (2):

Labcorp Genetics (formerly Invitae), Labcorp
Classification: Pathogenic. Last evaluated: 2024-07-03. Review status: criteria provided, single submitter. Criteria: Invitae Variant Classification Sherloc (09022015). Collection method: clinical testing. Allele origin: germline.
Comment: This sequence change creates a premature translational stop signal (p.Tyr59Leufs*6) in the ASAH1 gene. It is expected to result in an absent or disrupted protein product. Loss-of-function variants in ASAH1 are known to be pathogenic (PMID: 24164096, 24355074). This variant is present in population databases (rs771718522, gnomAD 0.0009%). This premature translational stop signal has been observed in individual(s) with Farber disease (PMID: 32449975). ClinVar contains an entry for this variant (Variation ID: 812486). Algorithms developed to predict the effect of sequence changes on RNA splicing suggest that this variant may disrupt the consensus splice site. For these reasons, this variant has been classified as Pathogenic.

Medical Affairs, Dicerna Pharmaceuticals
Classification: Pathogenic for Farber lipogranulomatosis. Last evaluated: 2019-06-19. Review status: criteria provided, single submitter. Criteria: ACMG Guidelines, 2015. Collection method: literature only. Allele origin: unknown. Inheritance: Autosomal recessive inheritance. Affected: yes. Observed: 1 variant allele.
Comment: Variant c.174_175insC has been classified as pathogenic. Patient described in Ehlert et al., 2017, DOI: 10.1002/jimd.12043, was diagnosed with severe Farber disease and compound heterozygous ASAH1 variants, c.174_175insC and c.626G>A, were identified. Variant c.174_175insC results in a single nucleotide insertion causing in a premature stop codon at position 64. The severe phenotype in this patient can be attributed to truncation and inactivation of this enzyme.

Literature cited by the submitters: PubMed 24164096 (cited by Labcorp Genetics (formerly Invitae), Labcorp); PubMed 24355074 (cited by Labcorp Genetics (formerly Invitae), Labcorp); PubMed 32449975 (cited by Labcorp Genetics (formerly Invitae), Labcorp); DOI 10.1002/jimd.12043 (cited by Medical Affairs, Dicerna Pharmaceuticals).